The following is an entry in ClinVar:

ClinVar aggregate classification (germline): Likely benign (0 of 4 stars; one submission).

Conditions:
GABRA6-related disorder. Also called: GABRA6-related condition.

Allele frequency attached by ClinVar (database versions not stated): 1000 Genomes Project 0.00160; 1000 Genomes Project 30x 0.00172; gnomAD exomes 0.00015; ExAC 0.00027; TOPMed 0.00102; gnomAD 0.00113; ESP Exome Variant Server 0.00131.

Submission:

PreventionGenetics, part of Exact Sciences
Classification: Likely benign for GABRA6-related condition. Last evaluated: 2022-04-25. Review status: no assertion criteria provided. Collection method: clinical testing. Allele origin: germline.
Comment: This variant is classified as likely benign based on ACMG/AMP sequence variant interpretation guidelines (Richards et al. 2015 PMID: 25741868, with internal and published modifications).

NM_000811.3(GABRA6):c.1040T>C (p.Val347Ala)

Gene: GABRA6 (gamma-aminobutyric acid type A receptor subunit alpha6; plus strand). Cytogenetic location: 5q34.
Variant type: single nucleotide variant.
Coding change: c.1040T>C on transcript NM_000811.3 (MANE Select); coding-DNA position 1040, T replaced by C.
Protein change: p.Val347Ala; replaces valine 347 with alanine.
Molecular consequence: missense variant.
Genome position (GRCh38, 1-based): chr5:161,692,154, T>C. VCF-style: chr5-161692154-T-C. GRCh37 (hg19) VCF-style: chr5-161119160-T-C.
Other names: short protein forms V347A.
Identifiers: ClinVar variation 3033517 (VCV003033517.2), dbSNP rs76937628, ClinGen allele CA3544076.